The following is an entry in ClinVar:

NM_000352.6(ABCC8):c.3416T>C (p.Leu1139Pro)

Gene: ABCC8 (ATP binding cassette subfamily C member 8; minus strand). Cytogenetic location: 11p15.1.
Variant type: single nucleotide variant.
Coding change: c.3416T>C on transcript NM_000352.6 (MANE Select); coding-DNA position 3416, T replaced by C.
Protein change: p.Leu1139Pro; replaces leucine 1139 with proline.
Molecular consequence: missense variant. On other transcripts: non-coding transcript variant (1).
Genome position (GRCh38, 1-based): chr11:17,404,653, A>G on the plus strand (T>C on the coding strand, the complement: ABCC8 is on the minus strand). VCF-style: chr11-17404653-A-G. GRCh37 (hg19) VCF-style: chr11-17426200-A-G.
Other names: c.3419T>C, p.Leu1140Pro (NM_001287174.3); c.3482T>C, p.Leu1161Pro (NM_001351295.2); c.3416T>C, p.Leu1139Pro (NM_001351296.2); c.3413T>C, p.Leu1138Pro (NM_001351297.2); short protein forms L1138P, L1139P, L1140P, L1161P.
Identifiers: ClinVar variation 3339280 (VCV003339280.1).
Genomic context (GRCh38, chr11:17,404,653, plus strand): 5'-ACATAGGAGATGACGGCCAGGGCTGAGACACAGAGCAGGGTGGAGCGGCTCAGGCACTCC[A>G]GCGTGGATGGGATGTGCTGAGGGAGACGAGGGGGAGAGAGTGAGGTGAATTTTGGTATTG-3'
Protein context (NP_000343.2, residues 1129-1149): NTIDQHIPST[Leu1139Pro]ECLSRSTLLC

ClinVar aggregate classification (germline): Uncertain significance (1 of 4 stars; one submission).

Submission:

Women's Health and Genetics/Laboratory Corporation of America, LabCorp
Classification: Uncertain significance. Last evaluated: 2024-07-29. Review status: criteria provided, single submitter. Criteria: LabCorp Variant Classification Summary - May 2015. Collection method: clinical testing. Allele origin: germline.
Comment: Variant summary: ABCC8 c.3416T>C (p.Leu1139Pro) results in a non-conservative amino acid change located in the ABC transporter type 1, transmembrane domain (IPR011527) of the encoded protein sequence. Five of five in-silico tools predict a damaging effect of the variant on protein function. The variant was absent in 243664 control chromosomes. The available data on variant occurrences in the general population are insufficient to allow any conclusion about variant significance. To our knowledge, no occurrence of c.3416T>C in individuals affected with Congenital Hyperinsulinism and no experimental evidence demonstrating its impact on protein function have been reported. No submitters have cited clinical-significance assessments for this variant to ClinVar. Based on the evidence outlined above, the variant was classified as uncertain significance.